The following is an entry in ClinVar:

ClinVar aggregate classification (germline): Uncertain significance. Review status: criteria provided, multiple submitters, no conflicts (2 of 4 stars). 2 submissions from 2 submitters: Uncertain significance (2). Last evaluated 2024-10-15.

Conditions:
Inborn genetic diseases. Identifiers: MedGen C0950123, MeSH D030342.

gnomAD v4.1: 6 of 1,614,086 alleles (0.00037%); highest among the groups gnomAD compares: Admixed American, 0.0017%; no homozygotes.

Submissions (2):

Labcorp Genetics (formerly Invitae), Labcorp
Classification: Uncertain significance. Last evaluated: 2024-10-15. Review status: criteria provided, single submitter. Criteria: Invitae Variant Classification Sherloc (09022015). Collection method: clinical testing. Allele origin: germline.
Comment: This sequence change replaces phenylalanine, which is neutral and non-polar, with leucine, which is neutral and non-polar, at codon 583 of the EPAS1 protein (p.Phe583Leu). This variant is present in population databases (rs751857000, gnomAD 0.0009%). This variant has not been reported in the literature in individuals affected with EPAS1-related conditions. An algorithm developed to predict the effect of missense changes on protein structure and function (PolyPhen-2) suggests that this variant is likely to be tolerated. In summary, the available evidence is currently insufficient to determine the role of this variant in disease. Therefore, it has been classified as a Variant of Uncertain Significance.

Ambry Genetics
Classification: Uncertain significance for Inborn genetic diseases. Last evaluated: 2024-04-20. Review status: criteria provided, single submitter. Criteria: Ambry Variant Classification Scheme 2023. Collection method: clinical testing. Allele origin: germline.
Comment: The p.F583L variant (also known as c.1749C>G), located in coding exon 12 of the EPAS1 gene, results from a C to G substitution at nucleotide position 1749. The phenylalanine at codon 583 is replaced by leucine, an amino acid with highly similar properties. This amino acid position is conserved. In addition, this alteration is predicted to be tolerated by in silico analysis. Based on the available evidence, the clinical significance of this variant remains unclear.

NM_001430.5(EPAS1):c.1749C>G (p.Phe583Leu)

Gene: EPAS1 (endothelial PAS domain protein 1; plus strand). Cytogenetic location: 2p21.
Variant type: single nucleotide variant.
Coding change: c.1749C>G on transcript NM_001430.5 (MANE Select); coding-DNA position 1749, C replaced by G.
Protein change: p.Phe583Leu; replaces phenylalanine 583 with leucine.
Molecular consequence: missense variant.
Genome position (GRCh38, 1-based): chr2:46,380,421, C>G. VCF-style: chr2-46380421-C-G. GRCh37 (hg19) VCF-style: chr2-46607560-C-G.
Other names: short protein forms F583L.
Identifiers: ClinVar variation 3275702 (VCV003275702.3).